The following is an entry in ClinVar:

ClinVar aggregate classification (germline): Pathogenic/Likely pathogenic. Review status: criteria provided, multiple submitters, no conflicts (2 of 4 stars). 10 submissions from 10 submitters: Pathogenic (7); Likely pathogenic (1). 2 of the submissions do not count toward it. Last evaluated 2026-06-18.

Conditions:
KCNC1-related disorder. Also called: KCNC1-Related Disorders; KCNC1-related condition. Identifiers: MedGen CN381541.
Inborn genetic diseases. Identifiers: MedGen C0950123, MeSH D030342.
Progressive myoclonic epilepsy type 7. Identifiers: Orphanet 435438, MedGen C4015420, MONDO:0014521, OMIM 616187.
Progressive myoclonic epilepsy. Also called: Familial progressive myoclonic epilepsy; Myoclonic Epilepsies, Progressive; Myoclonus epilepsy; Progressive myoclonus epilepsy. Identifiers: Orphanet 308, Orphanet 98261, MedGen C0751778, MONDO:0020074.

Submissions (10):

Women's Health and Genetics/Laboratory Corporation of America, LabCorp
Classification: Pathogenic for Progressive myoclonic epilepsy type 7. Last evaluated: 2026-06-18. Review status: criteria provided, single submitter. Criteria: LabCorp Variant Classification Summary - May 2015. Collection method: clinical testing. Allele origin: germline.
Comment: Variant summary: KCNC1 c.959G>A (p.Arg320His) results in a non-conservative amino acid change in the encoded protein sequence. Algorithms developed to predict the effect of missense changes on protein structure and function all suggest that this variant is likely to be disruptive. The variant was absent in 244236 control chromosomes (gnomAD). c.959G>A has been observed as a de novo occurrence in multiple individuals affected with Epilepsy, Progressive Myoclonic 7 (e.g. Muona_2015). These data indicate that the variant is very likely to be associated with disease. At least one publication reports experimental evidence evaluating an impact on protein function, demonstrating a dominant negative effect (Muona_2015). The following publication has been ascertained in the context of this evaluation (PMID: 25401298). ClinVar contains an entry for this variant (Variation ID: 162519). Based on the evidence outlined above, the variant was classified as pathogenic.

Labcorp Genetics (formerly Invitae), Labcorp
Classification: Pathogenic for Progressive myoclonic epilepsy type 7. Last evaluated: 2024-06-28. Review status: criteria provided, single submitter. Criteria: Invitae Variant Classification Sherloc (09022015). Collection method: clinical testing. Allele origin: germline.
Comment: This sequence change replaces arginine, which is basic and polar, with histidine, which is basic and polar, at codon 320 of the KCNC1 protein (p.Arg320His). This variant is not present in population databases (gnomAD no frequency). This missense change has been observed in individual(s) with progressive myoclonus epilepsy (PME) (PMID: 25401298, 28380698). In at least one individual the variant was observed to be de novo. ClinVar contains an entry for this variant (Variation ID: 162519). Advanced modeling of protein sequence and biophysical properties (such as structural, functional, and spatial information, amino acid conservation, physicochemical variation, residue mobility, and thermodynamic stability) performed at Invitae indicates that this missense variant is expected to disrupt KCNC1 protein function with a positive predictive value of 80%. Experimental studies have shown that this missense change affects KCNC1 function (PMID: 25401298, 28380698). For these reasons, this variant has been classified as Pathogenic.

Athena Diagnostics
Classification: Pathogenic. Last evaluated: 2023-08-02. Review status: criteria provided, single submitter. Criteria: Athena Diagnostics Criteria. Collection method: clinical testing. Allele origin: unknown.
Comment: This variant has been identified in multiple unrelated individuals with clinical features associated with this gene and appears to occur de novo in multiple individuals. This variant has not been reported in large, multi-ethnic general populations. Assessment of experimental evidence suggests this variant results in abnormal protein function. (PMID: 33735526, 29894724, 25401298)

Blueprint Genetics
Classification: Pathogenic for KCNC1-related disorders. Last evaluated: 2020-03-04. Review status: criteria provided, single submitter. Criteria: ACMG Guidelines, 2015. Collection method: clinical testing. Allele origin: germline. Affected: yes. Observed: 1 variant allele.

Mendelics
Classification: Pathogenic for Progressive myoclonic epilepsy type 7. Last evaluated: 2019-05-28. Review status: criteria provided, single submitter. Criteria: Mendelics Assertion Criteria 2017. Collection method: clinical testing. Allele origin: unknown.

Fulgent Genetics
Classification: Pathogenic for Progressive myoclonic epilepsy type 7. Last evaluated: 2018-10-31. Review status: criteria provided, single submitter. Criteria: ACMG Guidelines, 2015. Collection method: clinical testing. Allele origin: unknown.

Undiagnosed Diseases Network, NIH
Classification: Pathogenic for Progressive myoclonic epilepsy type 7. Last evaluated: 2018-02-07. Review status: criteria provided, single submitter. Criteria: ACMG Guidelines, 2015. Collection method: clinical testing. Allele origin: unknown. Inheritance: Autosomal dominant inheritance. Affected: yes. Observed: 1 variant allele, 1 heterozygote. Study: Undiagnosed Diseases Network (NIH), UDN.

Ambry Genetics
Classification: Likely pathogenic for Inborn genetic diseases. Last evaluated: 2017-11-20. Review status: criteria provided, single submitter. Criteria: Ambry Variant Classification Scheme 2023. Collection method: clinical testing. Allele origin: germline.
Comment: The p.R320H variant (also known as c.959G>A), located in coding exon 2 of the KCNC1 gene, results from a G to A substitution at nucleotide position 959. The arginine at codon 320 is replaced by histidine, an amino acid with highly similar properties. This alteration has been identified de novo in multiple individuals with myoclonus, myoclonic epilepsy, and ataxia (Muona M et al. Nat. Genet., 2015 Jan;47:39-46; Oliver KL et al. Ann. Neurol., 2017 May;81:677-689; Nascimento FA et al. Epileptic Disord, 2016 Sep;18:135-138). This amino acid position is highly conserved in available vertebrate species. In addition, this alteration is predicted to be deleterious by in silico analysis. Based on the majority of available evidence to date, this variant is likely to be pathogenic.

Molecular Genetics Laboratory, BC Children's and BC Women's Hospitals
Classification: Pathogenic for Progressive myoclonic epilepsy. Last evaluated: 2025-11-18. Review status: no assertion criteria provided. Criteria: ACMG Guidelines, 2015. Collection method: clinical testing. Allele origin: de novo. Affected: yes. Not counted in ClinVar's aggregate classification.

OMIM
Classification: Pathogenic for EPILEPSY, PROGRESSIVE MYOCLONIC 7. Last evaluated: 2015-01-01. Review status: no assertion criteria provided. Collection method: literature only. Allele origin: germline. Not counted in ClinVar's aggregate classification.

Literature cited by the submitters: PubMed 25401298 (cited by 5 submitters); PubMed 28380698 (cited by 3 submitters); PubMed 27629860 (cited by Athena Diagnostics and Ambry Genetics); PubMed 32972906 (cited by Athena Diagnostics); PubMed 33735526 (cited by Athena Diagnostics); PubMed 33163565 (cited by Athena Diagnostics); PubMed 29428275 (cited by Athena Diagnostics); PubMed 33725338 (cited by Athena Diagnostics); PubMed 36028527 (cited by Athena Diagnostics); PubMed 36034301 (cited by Athena Diagnostics); PubMed 35299674 (cited by Athena Diagnostics); PubMed 31440721 (cited by Athena Diagnostics); PubMed 31216804 (cited by Athena Diagnostics); PubMed 29894724 (cited by Athena Diagnostics); PubMed 28488083 (cited by Ambry Genetics).

NM_001112741.2(KCNC1):c.959G>A (p.Arg320His)

Gene: KCNC1 (potassium voltage-gated channel subfamily C member 1; plus strand). Cytogenetic location: 11p15.1.
Variant type: single nucleotide variant.
Coding change: c.959G>A on transcript NM_001112741.2 (MANE Select); coding-DNA position 959, G replaced by A.
Protein change: p.Arg320His; replaces arginine 320 with histidine.
Molecular consequence: missense variant.
Genome position (GRCh38, 1-based): chr11:17,772,053, G>A. VCF-style: chr11-17772053-G-A. GRCh37 (hg19) VCF-style: chr11-17793600-G-A.
Other names: c.959G>A, p.Arg320His (NM_004976.4); short protein forms R320H.
Identifiers: ClinVar variation 162519 (VCV000162519.20), dbSNP rs727502818, ClinGen allele CA214540.